The following is an entry in ClinVar:

ClinVar aggregate classification (germline): Uncertain significance. Review status: criteria provided, multiple submitters, no conflicts (2 of 4 stars). 2 submissions from 2 submitters: Uncertain significance (2). Last evaluated 2023-05-23.

Allele frequency attached by ClinVar (database versions not stated): TOPMed 0.00001; gnomAD exomes 0.00002 and below 0.00001; ExAC 0.00003; gnomAD 0.00001.
gnomAD v4.1: 6 of 1,612,540 alleles (0.00037%); highest among the groups gnomAD compares: African/African-American, 0.0027%; no homozygotes.

Submissions (2):

Labcorp Genetics (formerly Invitae), Labcorp
Classification: Uncertain significance. Last evaluated: 2023-05-23. Review status: criteria provided, single submitter. Criteria: Invitae Variant Classification Sherloc (09022015). Collection method: clinical testing. Allele origin: germline.
Comment: Algorithms developed to predict the effect of sequence changes on RNA splicing suggest that this variant may disrupt the consensus splice site. In summary, the available evidence is currently insufficient to determine the role of this variant in disease. Therefore, it has been classified as a Variant of Uncertain Significance. Advanced modeling of protein sequence and biophysical properties (such as structural, functional, and spatial information, amino acid conservation, physicochemical variation, residue mobility, and thermodynamic stability) has been performed at Invitae for this missense variant, however the output from this modeling did not meet the statistical confidence thresholds required to predict the impact of this variant on ITPR1 protein function. This sequence change replaces arginine, which is basic and polar, with glutamine, which is neutral and polar, at codon 2171 of the ITPR1 protein (p.Arg2171Gln). This variant is present in population databases (rs761779906, gnomAD 0.01%). This variant has not been reported in the literature in individuals affected with ITPR1-related conditions. ClinVar contains an entry for this variant (Variation ID: 1201962).

GeneDx
Classification: Uncertain significance. Last evaluated: 2021-04-12. Review status: criteria provided, single submitter. Criteria: GeneDx Variant Classification Process June 2021. Collection method: clinical testing. Allele origin: germline. Affected: yes.
Comment: Has not been previously published as pathogenic or benign to our knowledge; In silico analysis, which includes protein predictors and evolutionary conservation, supports a deleterious effect

NM_001378452.1(ITPR1):c.6701G>A (p.Arg2234Gln)

Gene: ITPR1 (inositol 1,4,5-trisphosphate receptor type 1; plus strand). Cytogenetic location: 3p26.1.
Variant type: single nucleotide variant.
Coding change: c.6701G>A on transcript NM_001378452.1 (MANE Select); coding-DNA position 6701, G replaced by A.
Protein change: p.Arg2234Gln; replaces arginine 2234 with glutamine.
Molecular consequence: missense variant.
Genome position (GRCh38, 1-based): chr3:4,788,032, G>A. VCF-style: chr3-4788032-G-A. GRCh37 (hg19) VCF-style: chr3-4829716-G-A.
Other names: c.6557G>A, p.Arg2186Gln (NM_001099952.4); c.6656G>A, p.Arg2219Gln (NM_001168272.2); c.6512G>A, p.Arg2171Gln (NM_002222.7); short protein forms R2171Q, R2186Q, R2219Q, R2234Q.
Identifiers: ClinVar variation 1201962 (VCV001201962.6), dbSNP rs761779906, ClinGen allele CA2232655.